The following is an entry in ClinVar:

NM_005732.4(RAD50):c.3533A>C (p.Lys1178Thr)

Genes: TH2-LCR (Th2 cytokine locus control region; plus strand), RAD50 (RAD50 double strand break repair protein; plus strand), TH2LCRR (T helper type 2 locus control region associated RNA; minus strand). Cytogenetic location: 5q31.1.
Variant type: single nucleotide variant.
Coding change: c.3533A>C on transcript NM_005732.4 (MANE Select); coding-DNA position 3533, A replaced by C.
Protein change: p.Lys1178Thr; replaces lysine 1178 with threonine.
Molecular consequence: missense variant. On other transcripts: non-coding transcript variant (2).
Genome position (GRCh38, 1-based): chr5:132,638,138, A>C. VCF-style: chr5-132638138-A-C. GRCh37 (hg19) VCF-style: chr5-131973830-A-C.
Other names: short protein forms K1178T.
Identifiers: ClinVar variation 1027265 (VCV001027265.7), dbSNP rs1751631565, ClinGen allele CA360931860.

ClinVar aggregate classification (germline): Uncertain significance (1 of 4 stars; one submission).

Conditions:
Hereditary cancer-predisposing syndrome. Also called: Neoplastic Syndromes, Hereditary; Tumor predisposition; Hereditary Cancer Syndrome; Hereditary neoplastic syndrome. Identifiers: Orphanet 140162, MedGen C0027672, MeSH D009386, MONDO:0015356.

Submission:

Labcorp Genetics (formerly Invitae), Labcorp
Classification: Uncertain significance for Hereditary cancer-predisposing syndrome. Last evaluated: 2021-10-21. Review status: criteria provided, single submitter. Criteria: Invitae Variant Classification Sherloc (09022015). Collection method: clinical testing. Allele origin: germline.
Comment: This sequence change replaces lysine with threonine at codon 1178 of the RAD50 protein (p.Lys1178Thr). The lysine residue is moderately conserved and there is a moderate physicochemical difference between lysine and threonine. This variant is not present in population databases (ExAC no frequency). This variant has not been reported in the literature in individuals affected with RAD50-related conditions. Algorithms developed to predict the effect of missense changes on protein structure and function are either unavailable or do not agree on the potential impact of this missense change (SIFT: "Deleterious"; PolyPhen-2: "Benign"; Align-GVGD: "Class C0"). In summary, the available evidence is currently insufficient to determine the role of this variant in disease. Therefore, it has been classified as a Variant of Uncertain Significance.